The following is an entry in ClinVar:

NM_000136.3(FANCC):c.706A>C (p.Met236Leu)

Genes: AOPEP (aminopeptidase O (putative); plus strand), FANCC (FA complementation group C; minus strand). Cytogenetic location: 9q22.32.
Variant type: single nucleotide variant.
Coding change: c.706A>C on transcript NM_000136.3 (MANE Select); coding-DNA position 706, A replaced by C.
Protein change: p.Met236Leu; replaces methionine 236 with leucine.
Molecular consequence: missense variant.
Genome position (GRCh38, 1-based): chr9:95,135,483, T>G on the plus strand (A>C on the coding strand, the complement: FANCC is on the minus strand). VCF-style: chr9-95135483-T-G. GRCh37 (hg19) VCF-style: chr9-97897765-T-G.
Other names: c.706A>C, p.Met236Leu (NM_001243743.2, NM_001243744.2); short protein forms M236L.
Identifiers: ClinVar variation 826812 (VCV000826812.8), dbSNP rs771319430, ClinGen allele CA5137648.
Genomic context (GRCh38, chr9:95,135,483, plus strand): 5'-GCAGCATTGCTTTTTCAAGGCTGGGAAGGTGCCGAAGCCAGAGGCAGACTACAGCTGACA[T>G]GGGGAGAGAAATCTTCTTCCTTTCAGAAAGAAATAAACAAAATTTTAAACAGAAATGGCT-3'
Protein context (NP_000127.2, residues 226-246): AILLKKISLP[Met236Leu]SAVVCLWLRH

ClinVar aggregate classification (germline): Conflicting classifications of pathogenicity. Review status: criteria provided, conflicting classifications (1 of 4 stars). 3 submissions from 3 submitters: Uncertain significance (1); Likely benign (1). 1 of the submissions does not count toward it. Last evaluated 2025-02-20.

Conditions:
Fanconi anemia (FA). Also called: Fanconi's anemia. Identifiers: Orphanet 84, MedGen C0015625, MeSH D005199, MONDO:0019391.
Hereditary cancer-predisposing syndrome. Also called: Neoplastic Syndromes, Hereditary; Tumor predisposition; Hereditary neoplastic syndrome; Hereditary Cancer Syndrome. Identifiers: Orphanet 140162, MedGen C0027672, MeSH D009386, MONDO:0015356.

Allele frequency attached by ClinVar (database versions not stated): ExAC 0.00001.
gnomAD v4.1: 2 of 1,613,988 alleles (0.00012%); highest among the groups gnomAD compares: Non-Finnish European, 0.00017%; no homozygotes.

Submissions (3):

GeneDx
Classification: Uncertain significance. Last evaluated: 2025-02-20. Review status: criteria provided, single submitter. Criteria: GeneDx Variant Classification Process June 2021. Collection method: clinical testing. Allele origin: germline. Affected: yes.
Comment: Not observed at significant frequency in large population cohorts (gnomAD); In silico analysis indicates that this missense variant does not alter protein structure/function; Has not been previously published as pathogenic or benign to our knowledge; This variant is associated with the following publications: (PMID: Gordon2000[Book])

Ambry Genetics
Classification: Likely benign for Hereditary cancer-predisposing syndrome. Last evaluated: 2024-03-25. Review status: criteria provided, single submitter. Criteria: Ambry Variant Classification Scheme 2023. Collection method: clinical testing. Allele origin: germline.

Natera, Inc.
Classification: Uncertain significance for Fanconi anemia. Last evaluated: 2020-03-30. Review status: no assertion criteria provided. Collection method: clinical testing. Allele origin: germline. Not counted in ClinVar's aggregate classification.